The following is an entry in ClinVar:

ClinVar aggregate classification (germline): not provided (0 of 4 stars; one submission).

Allele frequency attached by ClinVar (database versions not stated): gnomAD exomes below 0.00001; TOPMed 0.00001; gnomAD 0.00002.
gnomAD v4.1: 4 of 1,613,902 alleles (0.00025%); highest among the groups gnomAD compares: African/African-American, 0.0053%; no homozygotes.

Submission:

ITMI
No classification provided. Condition: AllHighlyPenetrant. Last evaluated: 2013-09-19. Review status: no classification provided. Collection method: reference population. Allele origin: germline.
Comment: Please see associated publication for description of ethnicities

Literature cited by the submitters: PubMed 24728327.

NM_004448.4(ERBB2):c.1169C>T (p.Ala390Val)

Gene: ERBB2 (erb-b2 receptor tyrosine kinase 2; plus strand). Cytogenetic location: 17q12.
Variant type: single nucleotide variant.
Coding change: c.1169C>T on transcript NM_004448.4 (MANE Select); coding-DNA position 1169, C replaced by T.
Protein change: p.Ala390Val; replaces alanine 390 with valine.
Molecular consequence: missense variant. On other transcripts: non-coding transcript variant (1).
Genome position (GRCh38, 1-based): chr17:39,715,306, C>T. VCF-style: chr17-39715306-C-T. GRCh37 (hg19) VCF-style: chr17-37871559-C-T.
Other names: c.1079C>T, p.Ala360Val (NM_001005862.3, NM_001289938.2, NM_001382782.1 and 1 more transcripts); c.1124C>T, p.Ala375Val (NM_001289936.2); c.1169C>T, p.Ala390Val (NM_001289937.2, NM_001382785.1, NM_001382788.1 and 14 more transcripts); c.1286C>T, p.Ala429Val (NM_001382784.1, NM_001382786.1); c.1244C>T, p.Ala415Val (NM_001382787.1); c.1160C>T, p.Ala387Val (NM_001382791.1); c.989C>T, p.Ala330Val (NM_001382799.1); c.911C>T, p.Ala304Val (NM_001382802.1); and 1 more; short protein forms A360V, A390V, A375V, A114V, A304V, A330V, A387V, A415V.
Identifiers: ClinVar variation 134069 (VCV000134069.1), dbSNP rs587778264, ClinGen allele CA158556.